The following is an entry in ClinVar:

ClinVar aggregate classification (germline): Pathogenic/Likely pathogenic. Review status: criteria provided, multiple submitters, no conflicts (2 of 4 stars). 3 submissions from 3 submitters: Pathogenic (1); Likely pathogenic (2). Last evaluated 2026-09-08.

Conditions:
Fabry disease. Also called: Ceramide trihexosidosis; CERAMIDE TRIHEXOSIDASE DEFICIENCY; GLA DEFICIENCY; HEREDITARY DYSTOPIC LIPIDOSIS; ALPHA-GALACTOSIDASE A DEFICIENCY; ANDERSON-FABRY DISEASE. Identifiers: Orphanet 324, MedGen C0002986, MONDO:0010526, OMIM 301500, HP:0001071. Disease mechanism: loss of function, Fabry disease is due to inactivating mutations in the X-linked GLA gene resulting in deficiency of the enzyme Alpha Galactosidase-A..
GLA-related disorder. Also called: GLA-related condition.

Submissions (3):

Genomenon, Inc
Classification: Pathogenic for Fabry disease. Last evaluated: 2026-09-08. Review status: criteria provided, single submitter. Criteria: Genomenon Sequence Variant Interpretation Standards - Updated. Collection method: curation. Allele origin: germline. Affected: yes.
Comment: GLA p.Gly138Arg (c.412G>A) is a missense variant that changes the amino acid at codon 138 from Glycine to Arginine. This variant has been observed in at least one proband with clinical features consistent with Fabry disease (PMID:9100224). At least one functional study has demonstrated a substantial alteration in protein function relative to the wild-type (PMID:32023956;27657681). This variant is located in a mutational hotspot and/or important functional domain. It is absent or not present at a significant frequency in gnomAD. In silico models predict that this variant is possibly or probably damaging. In conclusion, we classify GLA p.Gly138Arg (c.412G>A) as a pathogenic variant.

Blueprint Genetics
Classification: Likely pathogenic for GLA-related disorders. Last evaluated: 2022-08-26. Review status: criteria provided, single submitter. Criteria: ACMG Guidelines, 2015. Collection method: clinical testing. Allele origin: germline. Affected: yes. Observed: 1 variant allele.

Women's Health and Genetics/Laboratory Corporation of America, LabCorp
Classification: Likely pathogenic for Fabry disease. Last evaluated: 2021-02-23. Review status: criteria provided, single submitter. Criteria: LabCorp Variant Classification Summary - May 2015. Collection method: clinical testing. Allele origin: germline.
Comment: Variant summary: GLA c.412G>A (p.Gly138Arg) results in a non-conservative amino acid change in the encoded protein sequence. Five of five in-silico tools predict a damaging effect of the variant on protein function. The variant was absent in 183467 control chromosomes (gnomAD). c.412G>A has been reported in the literature in at least one patient affected with Classic Fabry Disease and has been subsequently cited by others (example: Eng_1997, Schafer_2005, Havndrup_2010, Matsuzawa_2005, Saito_2013, Sugawara_2008). In in vitro functional studies, the variant was found to have no enzymatic activity compared to wild-type (Lukas_2013). No clinical diagnostic laboratories have submitted clinical-significance assessments for this variant to ClinVar after 2014. In the HGMD and ClinVar databases, there are other missense variants affecting the same and/or nearby codons (example: p.D136Y, p.G138E, p.T141I) suggesting this region may be clinically significant. Based on the evidence outlined above, the variant was classified as likely pathogenic.

Literature cited by the submitters: PubMed 9100224 (cited by Genomenon, Inc and Women's Health and Genetics/Laboratory Corporation of America, LabCorp); PubMed 32023956 (cited by Genomenon, Inc); PubMed 27657681 (cited by Genomenon, Inc); PubMed 15924232 (cited by Women's Health and Genetics/Laboratory Corporation of America, LabCorp); PubMed 15776423 (cited by Women's Health and Genetics/Laboratory Corporation of America, LabCorp); PubMed 23935525 (cited by Women's Health and Genetics/Laboratory Corporation of America, LabCorp); PubMed 20139917 (cited by Women's Health and Genetics/Laboratory Corporation of America, LabCorp); PubMed 20498269 (cited by Women's Health and Genetics/Laboratory Corporation of America, LabCorp); PubMed 18633574 (cited by Women's Health and Genetics/Laboratory Corporation of America, LabCorp).

NM_000169.3(GLA):c.412G>A (p.Gly138Arg)

Genes: GLA (galactosidase alpha; minus strand), RPL36A-HNRNPH2 (RPL36A-HNRNPH2 readthrough; plus strand). Cytogenetic location: Xq22.1.
Variant type: single nucleotide variant.
Coding change: c.412G>A on transcript NM_000169.3 (MANE Select); coding-DNA position 412, G replaced by A.
Protein change: p.Gly138Arg; replaces glycine 138 with arginine.
Molecular consequence: missense variant. On other transcripts: non-coding transcript variant (3), intron variant (2).
Genome position (GRCh38, 1-based): chrX:101,401,767, C>T on the plus strand (G>A on the coding strand, the complement: GLA is on the minus strand). VCF-style: chrX-101401767-C-T. GRCh37 (hg19) VCF-style: chrX-100656755-C-T.
Other names: c.535G>A, p.Gly179Arg (NM_001406747.1, NM_001406749.1); c.412G>A, p.Gly138Arg (NM_001406748.1); c.300+6310C>T (NM_001199973.2); c.177+9945C>T (NM_001199974.2); short protein forms G138R, G179R.
Identifiers: ClinVar variation 997946 (VCV000997946.3), dbSNP rs1928326524, ClinGen allele CA413930442.
Genomic context (GRCh38, chrX:101,401,767, plus strand): 5'-TCTGGGCATCAATGTCGTAGTATCCAAAACTCCCAGGGAAGCCTGCGCAGGTTTTATTTC[C>T]AACATCTGCATAAATCCCTAGCTTCAGTCCTTTGCTGTGAACCTGAAATGAGAGGGAGGA-3'
Protein context (NP_000160.1, residues 128-148): GLKLGIYADV[Gly138Arg]NKTCAGFPGS